The following is an entry in ClinVar:

ClinVar aggregate classification (germline): Uncertain significance. Review status: criteria provided, multiple submitters, no conflicts (2 of 4 stars). 2 submissions from 2 submitters: Uncertain significance (2). Last evaluated 2025-07-30.

Conditions:
Hereditary cancer-predisposing syndrome. Also called: Neoplastic Syndromes, Hereditary; Hereditary Cancer Syndrome; Tumor predisposition; Hereditary neoplastic syndrome. Identifiers: Orphanet 140162, MedGen C0027672, MeSH D009386, MONDO:0015356.
Ataxia-telangiectasia syndrome (AT). Also called: LOUIS-BAR SYNDROME; ATAXIA-TELANGIECTASIA, COMPLEMENTATION GROUP A; Ataxia-telangiectasia, complementation group D; AT, COMPLEMENTATION GROUP C; Ataxia-telangiectasia, complementation group E; Ataxia-telangiectasia. Identifiers: Orphanet 100, MedGen C0004135, MONDO:0008840, OMIM 208900.

Allele frequency attached by ClinVar (database versions not stated): gnomAD exomes below 0.00001.
gnomAD v4.1: 1 of 1,613,898 alleles (0.000062%); highest among the groups gnomAD compares: Non-Finnish European, 0.000085%; no homozygotes.

Submissions (2):

Labcorp Genetics (formerly Invitae), Labcorp
Classification: Uncertain significance for Ataxia-telangiectasia syndrome. Last evaluated: 2025-07-30. Review status: criteria provided, single submitter. Criteria: Invitae Variant Classification Sherloc (09022015). Collection method: clinical testing. Allele origin: germline.
Comment: This sequence change replaces threonine, which is neutral and polar, with alanine, which is neutral and non-polar, at codon 878 of the ATM protein (p.Thr878Ala). This variant is not present in population databases (gnomAD no frequency). This variant has not been reported in the literature in individuals affected with ATM-related conditions. ClinVar contains an entry for this variant (Variation ID: 2568167). Invitae Evidence Modeling of protein sequence and biophysical properties (such as structural, functional, and spatial information, amino acid conservation, physicochemical variation, residue mobility, and thermodynamic stability) indicates that this missense variant is not expected to disrupt ATM protein function with a negative predictive value of 95%. In summary, the available evidence is currently insufficient to determine the role of this variant in disease. Therefore, it has been classified as a Variant of Uncertain Significance.

Ambry Genetics
Classification: Uncertain significance for Hereditary cancer-predisposing syndrome. Last evaluated: 2023-04-25. Review status: criteria provided, single submitter. Criteria: Ambry Variant Classification Scheme 2023. Collection method: clinical testing. Allele origin: germline.
Comment: The p.T878A variant (also known as c.2632A>G), located in coding exon 16 of the ATM gene, results from an A to G substitution at nucleotide position 2632. The threonine at codon 878 is replaced by alanine, an amino acid with similar properties. This amino acid position is not well conserved in available vertebrate species. In addition, this alteration is predicted to be tolerated by in silico analysis. Since supporting evidence is limited at this time, the clinical significance of this alteration remains unclear.

NM_000051.4(ATM):c.2632A>G (p.Thr878Ala)

Gene: ATM (ATM serine/threonine kinase; plus strand). Cytogenetic location: 11q22.3.
Variant type: single nucleotide variant.
Coding change: c.2632A>G on transcript NM_000051.4 (MANE Select); coding-DNA position 2632, A replaced by G.
Protein change: p.Thr878Ala; replaces threonine 878 with alanine.
Molecular consequence: missense variant.
Genome position (GRCh38, 1-based): chr11:108,267,336, A>G. VCF-style: chr11-108267336-A-G. GRCh37 (hg19) VCF-style: chr11-108138063-A-G.
Other names: c.2632A>G, p.Thr878Ala (NM_001351834.2); short protein forms T878A.
Identifiers: ClinVar variation 2568167 (VCV002568167.4), dbSNP rs2497600083, ClinGen allele CA382544334.